The following is an entry in ClinVar:

NM_015261.3(NCAPD3):c.125T>C (p.Ile42Thr)

Gene: NCAPD3 (non-SMC condensin II complex subunit D3; minus strand). Cytogenetic location: 11q25.
Variant type: single nucleotide variant.
Coding change: c.125T>C on transcript NM_015261.3 (MANE Select); coding-DNA position 125, T replaced by C.
Protein change: p.Ile42Thr; replaces isoleucine 42 with threonine.
Molecular consequence: missense variant. On other transcripts: 5 prime UTR variant (2).
Genome position (GRCh38, 1-based): chr11:134,220,666, A>G on the plus strand (T>C on the coding strand, the complement: NCAPD3 is on the minus strand). VCF-style: chr11-134220666-A-G. GRCh37 (hg19) VCF-style: chr11-134090560-A-G.
Other names: c.125T>C, p.Ile42Thr (NM_001372065.1, NM_001372068.1); c.-127T>C (NM_001372069.1); c.-391T>C (NM_001372070.1); short protein forms I42T.
Identifiers: ClinVar variation 975757 (VCV000975757.28), dbSNP rs112183153, ClinGen allele CA6372077.
Genomic context (GRCh38, chr11:134,220,666, plus strand): 5'-AAAAGGCTTTCATAGAGTTTTGTGAATGCAGCCAATCCAGTCTCTATGATCTCTGCTTCT[A>G]TGCTGGGATCCAAAGGCTCAGTCTCTGTGAAATCCAGTTCCCACACTGTGTCAACCCATT-3'
Protein context (NP_056076.1, residues 32-52): FTETEPLDPS[Ile42Thr]EAEIIETGLA

ClinVar aggregate classification (germline): Benign/Likely benign. Review status: criteria provided, multiple submitters, no conflicts (2 of 4 stars). 5 submissions from 5 submitters: Benign (1); Likely benign (2). 2 of the submissions do not count toward it. Last evaluated 2025-09-01.

Conditions:
NCAPD3-related disorder. Also called: NCAPD3-related condition.
Intellectual disability. Also called: Intellectual developmental disorder; intellectual disabilities; Intellectual functioning disability. Identifiers: MedGen C3714756, MeSH D008607, MONDO:0001071, HP:0001249.

Allele frequency attached by ClinVar (database versions not stated): 1000 Genomes Project 0.00080; 1000 Genomes Project 30x 0.00094; TOPMed 0.00178; ESP Exome Variant Server 0.00285; ExAC 0.00300; gnomAD exomes 0.00307 and 0.00318; gnomAD 0.00311 and 0.00325.
gnomAD v4.1: 5,078 of 1,614,098 alleles (0.31%); highest among the groups gnomAD compares: Non-Finnish European, 0.33%; 9 homozygotes.

Submissions (5):

CeGaT Center for Human Genetics Tuebingen
Classification: Benign. Last evaluated: 2025-09-01. Review status: criteria provided, single submitter. Criteria: CeGaT Center For Human Genetics Tuebingen Variant Classification Criteria Version 2. Collection method: clinical testing. Allele origin: germline. Affected: yes. Observed: 6 variant alleles.
Comment: NCAPD3: BP4, BS1, BS2

Blueprint Genetics
Classification: Likely benign. Last evaluated: 2024-11-08. Review status: criteria provided, single submitter. Criteria: ACMG Guidelines, 2015. Collection method: clinical testing. Allele origin: germline.

Breakthrough Genomics
Classification: Likely benign. Review status: criteria provided, single submitter. Criteria: ACMG Guidelines, 2015. Collection method: not provided. Allele origin: germline. Inheritance: Autosomal recessive inheritance. Affected: yes.

PreventionGenetics, part of Exact Sciences
Classification: Likely benign for NCAPD3-related condition. Last evaluated: 2019-03-06. Review status: no assertion criteria provided. Collection method: clinical testing. Allele origin: germline. Not counted in ClinVar's aggregate classification.
Comment: This variant is classified as likely benign based on ACMG/AMP sequence variant interpretation guidelines (Richards et al. 2015 PMID: 25741868, with internal and published modifications).

Centre de Biologie Pathologie Génétique, Centre Hospitalier Universitaire de Lille
Classification: Likely benign for Intellectual disability. Last evaluated: 2019-01-01. Review status: no assertion criteria provided. Collection method: clinical testing. Allele origin: inherited. Affected: yes. Not counted in ClinVar's aggregate classification.